The following is an entry in ClinVar:

ClinVar aggregate classification (germline): Uncertain significance (1 of 4 stars; one submission).

Conditions:
Gorlin syndrome. Also called: Nevoid Basal Cell Carcinoma Syndrome; Basal cell nevus syndrome. Identifiers: Orphanet 377, MedGen C0004779, MONDO:0007187.
Medulloblastoma (MDB). Also called: MEDULLOBLASTOMA PREDISPOSITION SYNDROME; Medulloblastoma, somatic. Identifiers: Orphanet 616, MedGen C0025149, MeSH D008527, MONDO:0007959, OMIM 155255, HP:0002885.

Submission:

Labcorp Genetics (formerly Invitae), Labcorp
Classification: Uncertain significance for Gorlin syndrome; Medulloblastoma. Last evaluated: 2019-12-27. Review status: criteria provided, single submitter. Criteria: Invitae Variant Classification Sherloc (09022015). Collection method: clinical testing. Allele origin: germline.
Comment: This variant is not present in population databases (ExAC no frequency). In summary, the available evidence is currently insufficient to determine the role of this variant in disease. Therefore, it has been classified as a Variant of Uncertain Significance. Algorithms developed to predict the effect of missense changes on protein structure and function (SIFT, PolyPhen-2, Align-GVGD) all suggest that this variant is likely to be disruptive, but these predictions have not been confirmed by published functional studies and their clinical significance is uncertain. This variant has not been reported in the literature in individuals with SUFU-related conditions. This sequence change replaces serine with arginine at codon 270 of the SUFU protein (p.Ser270Arg). The serine residue is highly conserved and there is a moderate physicochemical difference between serine and arginine.

NM_016169.4(SUFU):c.810T>G (p.Ser270Arg)

Gene: SUFU (SUFU negative regulator of hedgehog signaling; plus strand). Cytogenetic location: 10q24.32.
Variant type: single nucleotide variant.
Coding change: c.810T>G on transcript NM_016169.4 (MANE Select); coding-DNA position 810, T replaced by G.
Protein change: p.Ser270Arg; replaces serine 270 with arginine.
Molecular consequence: missense variant.
Genome position (GRCh38, 1-based): chr10:102,597,193, T>G. VCF-style: chr10-102597193-T-G. GRCh37 (hg19) VCF-style: chr10-104356950-T-G.
Other names: c.810T>G, p.Ser270Arg (NM_001178133.2); short protein forms S270R.
Identifiers: ClinVar variation 858258 (VCV000858258.13), dbSNP rs2063471312, ClinGen allele CA377910435.